The following is an entry in ClinVar:

NM_001447.3(FAT2):c.6384G>A (p.Lys2128=)

Genes: FAT2 (FAT atypical cadherin 2; minus strand), SLC36A1 (solute carrier family 36 member 1; plus strand). Cytogenetic location: 5q33.1.
Variant type: single nucleotide variant.
Coding change: c.6384G>A on transcript NM_001447.3 (MANE Select); coding-DNA position 6384, G replaced by A.
Protein change: p.Lys2128=; no amino-acid change (lysine 2128 retained).
Molecular consequence: synonymous variant.
Genome position (GRCh38, 1-based): chr5:151,544,743, C>T on the plus strand (G>A on the coding strand, the complement: FAT2 is on the minus strand). VCF-style: chr5-151544743-C-T. GRCh37 (hg19) VCF-style: chr5-150924304-C-T.
Identifiers: ClinVar variation 3388839 (VCV003388839.14).

ClinVar aggregate classification (germline): Likely benign (1 of 4 stars; one submission).

gnomAD v4.1: 31 of 1,614,180 alleles (0.0019%); highest among the groups gnomAD compares: Middle Eastern, 0.033%; no homozygotes.

Submission:

CeGaT Center for Human Genetics Tuebingen
Classification: Likely benign. Last evaluated: 2024-11-01. Review status: criteria provided, single submitter. Criteria: CeGaT Center For Human Genetics Tuebingen Variant Classification Criteria Version 2. Collection method: clinical testing. Allele origin: germline. Affected: yes. Observed: 1 variant allele.
Comment: FAT2: BP4